The following is an entry in ClinVar:

ClinVar aggregate classification (germline): Pathogenic. Review status: criteria provided, single submitter (1 of 4 stars). 4 submissions from 3 submitters: Pathogenic (1). 3 of the submissions do not count toward it. Last evaluated 2025-12-03.

Conditions:
Combined immunodeficiency due to STIM1 deficiency. Also called: STIM1 DEFICIENCY; IMMUNODEFICIENCY 10. Identifiers: Orphanet 169090, Orphanet 317430, MedGen C2748557, MONDO:0013008, OMIM 612783.
Stormorken syndrome (STRMK). Also called: THROMBOCYTOPATHY, ASPLENIA, AND MIOSIS. Identifiers: Orphanet 3204, MedGen C1861451, MONDO:0008497, OMIM 185070.
Myopathy with tubular aggregates (TAM). Also called: Tubular Aggregate Myopathy. Identifiers: Orphanet 2593, MedGen C0410207, MONDO:0008051.
Myopathy, tubular aggregate, 1 (TAM1). Identifiers: MedGen C4011726, MONDO:0024531, OMIM 160565.

Submissions (4):

Labcorp Genetics (formerly Invitae), Labcorp
Classification: Pathogenic for Myopathy with tubular aggregates; Combined immunodeficiency due to STIM1 deficiency; Stormorken syndrome. Last evaluated: 2025-12-03. Review status: criteria provided, single submitter. Criteria: Invitae Variant Classification Sherloc (09022015). Collection method: clinical testing. Allele origin: germline.
Comment: This sequence change replaces isoleucine, which is neutral and non-polar, with phenylalanine, which is neutral and non-polar, at codon 115 of the STIM1 protein (p.Ile115Phe). This variant is not present in population databases (gnomAD no frequency). This missense change has been observed in individual(s) with autosomal dominant tubular aggregate myopathy and York platelet syndrome (PMID: 24570283, 25577287). In at least one individual the variant was observed to be de novo. It has also been observed to segregate with disease in related individuals. ClinVar contains an entry for this variant (Variation ID: 143191). Invitae Evidence Modeling of protein sequence and biophysical properties (such as structural, functional, and spatial information, amino acid conservation, physicochemical variation, residue mobility, and thermodynamic stability) indicates that this missense variant is expected to disrupt STIM1 protein function with a positive predictive value of 95%. For these reasons, this variant has been classified as Pathogenic.

OMIM
Classification: Pathogenic for MYOPATHY, TUBULAR AGGREGATE, 1. Last evaluated: 2015-03-01. Review status: no assertion criteria provided. Collection method: literature only. Allele origin: germline. Not counted in ClinVar's aggregate classification.

OMIM
Classification: Pathogenic for STORMORKEN SYNDROME. Last evaluated: 2015-03-01. Review status: no assertion criteria provided. Collection method: literature only. Allele origin: germline. Not counted in ClinVar's aggregate classification.

Undiagnosed Diseases Program Translational Research Laboratory, National Institutes of Health
Classification: Pathogenic. Review status: no assertion criteria provided. Collection method: not provided. Allele origin: unknown. Not counted in ClinVar's aggregate classification.
ClinVar note: Converted during submission from pathogenic to Pathogenic.

Literature cited by the submitters: PubMed 24570283 (cited by Labcorp Genetics (formerly Invitae), Labcorp and OMIM); PubMed 25577287 (cited by Labcorp Genetics (formerly Invitae), Labcorp and OMIM); PubMed 12944248 (cited by OMIM); PubMed 12944247 (cited by OMIM); PubMed 12623447 (cited by OMIM); PubMed 12745453 (cited by OMIM).

NM_001382567.1(STIM1):c.343A>T (p.Ile115Phe)

Gene: STIM1 (stromal interaction molecule 1; plus strand). Cytogenetic location: 11p15.4.
Variant type: single nucleotide variant.
Coding change: c.343A>T on transcript NM_001382567.1 (MANE Select); coding-DNA position 343, A replaced by T.
Protein change: p.Ile115Phe; replaces isoleucine 115 with phenylalanine.
Molecular consequence: missense variant. On other transcripts: 5 prime UTR variant (3), non-coding transcript variant (3).
Genome position (GRCh38, 1-based): chr11:4,023,945, A>T. VCF-style: chr11-4023945-A-T. GRCh37 (hg19) VCF-style: chr11-4045175-A-T.
Other names: c.343A>T, p.Ile115Phe (NM_001277961.3, NM_001277962.2, NM_001382568.1 and 3 more transcripts); c.121A>T, p.Ile41Phe (NM_001382566.1, NM_001382573.1, NM_001382574.1 and 5 more transcripts); c.208A>T, p.Ile70Phe (NM_001382569.1); c.-26A>T (NM_001382571.1); c.-147A>T (NM_001382580.1, NM_001382581.1); short protein forms I115F, I41F, I70F.
Identifiers: ClinVar variation 143191 (VCV000143191.12), dbSNP rs527236030, ClinGen allele CA170740.